The following is an entry in ClinVar:

NM_024721.5(ZFHX4):c.2862C>G (p.Leu954=)

Gene: ZFHX4 (zinc finger homeobox 4; plus strand). Cytogenetic location: 8q21.13.
Variant type: single nucleotide variant.
Coding change: c.2862C>G on transcript NM_024721.5 (MANE Select); coding-DNA position 2862, C replaced by G.
Protein change: p.Leu954=; no amino-acid change (leucine 954 retained).
Molecular consequence: synonymous variant.
Genome position (GRCh38, 1-based): chr8:76,707,817, C>G. VCF-style: chr8-76707817-C-G. GRCh37 (hg19) VCF-style: chr8-77620052-C-G.
Other names: c.2784C>G, p.Leu928= (NM_001410934.1).
Identifiers: ClinVar variation 4533854 (VCV004533854.6).

ClinVar aggregate classification (germline): Likely benign (1 of 4 stars; one submission).

gnomAD v4.1: 65 of 1,613,870 alleles (0.004%); highest among the groups gnomAD compares: East Asian, 0.04%; no homozygotes.

Submission:

CeGaT Center for Human Genetics Tuebingen
Classification: Likely benign. Last evaluated: 2025-11-01. Review status: criteria provided, single submitter. Criteria: CeGaT Center For Human Genetics Tuebingen Variant Classification Criteria Version 2. Collection method: clinical testing. Allele origin: germline. Affected: yes. Observed: 1 variant allele.
Comment: ZFHX4: BP4, BP7